The following is an entry in ClinVar:

ClinVar aggregate classification (germline): Uncertain significance (1 of 4 stars; one submission).

Conditions:
Neurofibromatosis, type 1 (NF1). Also called: VON RECKLINGHAUSEN DISEASE; Neurofibromatosis, type I; NEUROFIBROMATOSIS, TYPE I, SOMATIC; Peripheral type neurofibromatosis. Identifiers: Orphanet 636, MedGen C0027831, MONDO:0018975, OMIM 162200. Disease mechanism: loss of function.

Submission:

Labcorp Genetics (formerly Invitae), Labcorp
Classification: Uncertain significance for Neurofibromatosis, type 1. Last evaluated: 2020-12-14. Review status: criteria provided, single submitter. Criteria: Invitae Variant Classification Sherloc (09022015). Collection method: clinical testing. Allele origin: germline.
Comment: This sequence change replaces aspartic acid with histidine at codon 2774 of the NF1 protein (p.Asp2774His). The aspartic acid residue is highly conserved and there is a moderate physicochemical difference between aspartic acid and histidine. This variant is not present in population databases (ExAC no frequency). This variant has not been reported in the literature in individuals with NF1-related conditions. Algorithms developed to predict the effect of missense changes on protein structure and function are either unavailable or do not agree on the potential impact of this missense change (SIFT: "Deleterious"; PolyPhen-2: "Probably Damaging"; Align-GVGD: "Class C0"). In summary, the available evidence is currently insufficient to determine the role of this variant in disease. Therefore, it has been classified as a Variant of Uncertain Significance.

NM_001042492.3(NF1):c.8383G>C (p.Asp2795His)

Gene: NF1 (neurofibromin 1; plus strand). Cytogenetic location: 17q11.2.
Variant type: single nucleotide variant.
Coding change: c.8383G>C on transcript NM_001042492.3 (MANE Select); coding-DNA position 8383, G replaced by C.
Protein change: p.Asp2795His; replaces aspartic acid 2795 with histidine.
Molecular consequence: missense variant.
Genome position (GRCh38, 1-based): chr17:31,374,018, G>C. VCF-style: chr17-31374018-G-C. GRCh37 (hg19) VCF-style: chr17-29701036-G-C.
Other names: c.8320G>C, p.Asp2774His (NM_000267.4); short protein forms D2795H, D2774H.
Identifiers: ClinVar variation 1397466 (VCV001397466.8), dbSNP rs1475978079, ClinGen allele CA399205855.